The following is an entry in ClinVar:

ClinVar aggregate classification (germline): Uncertain significance (1 of 4 stars; one submission).

Conditions:
Arrhythmogenic right ventricular dysplasia 12. Also called: ARRHYTHMOGENIC RIGHT VENTRICULAR DYSPLASIA, FAMILIAL, 12. Identifiers: MedGen C1969081, MONDO:0012684, OMIM 611528.
Naxos disease (NXD). Also called: PALMOPLANTAR KERATODERMA WITH ARRHYTHMOGENIC RIGHT VENTRICULAR CARDIOMYOPATHY AND WOOLLY HAIR; WOOLLY HAIR, PALMOPLANTAR KERATODERMA, AND CARDIAC ABNORMALITIES; CARDIOMYOPATHY, ARRHYTHMOGENIC RIGHT VENTRICULAR, WITH SKIN, HAIR, AND NAIL ABNORMALITIES; KERATOSIS PALMOPLANTARIS WITH ARRHYTHMOGENIC CARDIOMYOPATHY; MAL DE NAXOS. Identifiers: Orphanet 34217, MedGen C1832600, MONDO:0011017, OMIM 601214.

Submission:

Labcorp Genetics (formerly Invitae), Labcorp
Classification: Uncertain significance for Arrhythmogenic right ventricular dysplasia 12; Naxos disease. Last evaluated: 2021-03-23. Review status: criteria provided, single submitter. Criteria: Invitae Variant Classification Sherloc (09022015). Collection method: clinical testing. Allele origin: germline.
Comment: This variant has not been reported in the literature in individuals with JUP-related conditions. Algorithms developed to predict the effect of missense changes on protein structure and function are either unavailable or do not agree on the potential impact of this missense change (SIFT: "Tolerated"; PolyPhen-2: "Possibly Damaging"; Align-GVGD: "Class C0"). In summary, the available evidence is currently insufficient to determine the role of this variant in disease. Therefore, it has been classified as a Variant of Uncertain Significance. This sequence change replaces aspartic acid with histidine at codon 97 of the JUP protein (p.Asp97His). The aspartic acid residue is weakly conserved and there is a moderate physicochemical difference between aspartic acid and histidine. This variant is not present in population databases (ExAC no frequency).

NM_002230.4(JUP):c.289G>C (p.Asp97His)

Gene: JUP (junction plakoglobin; minus strand). Cytogenetic location: 17q21.2.
Variant type: single nucleotide variant.
Coding change: c.289G>C on transcript NM_002230.4 (MANE Select); coding-DNA position 289, G replaced by C.
Protein change: p.Asp97His; replaces aspartic acid 97 with histidine.
Molecular consequence: missense variant.
Genome position (GRCh38, 1-based): chr17:41,769,597, C>G on the plus strand (G>C on the coding strand, the complement: JUP is on the minus strand). VCF-style: chr17-41769597-C-G. GRCh37 (hg19) VCF-style: chr17-39925849-C-G.
Other names: c.289G>C, p.Asp97His (NM_001352773.2, NM_001352774.2, NM_001352775.2 and 3 more transcripts); short protein forms D97H.
Identifiers: ClinVar variation 1491710 (VCV001491710.8), dbSNP rs2143696352, ClinGen allele CA399505632.